The following is an entry in ClinVar:

NM_017533.2(MYH4):c.2937G>T (p.Val979=)

Genes: MYH4 (myosin heavy chain 4; minus strand), MYHAS (myosin heavy chain gene cluster antisense RNA; plus strand). Cytogenetic location: 17p13.1.
Variant type: single nucleotide variant.
Coding change: c.2937G>T on transcript NM_017533.2 (MANE Select); coding-DNA position 2937, G replaced by T.
Protein change: p.Val979=; no amino-acid change (valine 979 retained).
Molecular consequence: synonymous variant.
Genome position (GRCh38, 1-based): chr17:10,453,326, C>A on the plus strand (G>T on the coding strand, the complement: MYH4 is on the minus strand). VCF-style: chr17-10453326-C-A. GRCh37 (hg19) VCF-style: chr17-10356643-C-A.
Identifiers: ClinVar variation 2647474 (VCV002647474.24), dbSNP rs2508181944, ClinGen allele CA497973087.

ClinVar aggregate classification (germline): Likely benign (1 of 4 stars; one submission).

Submission:

CeGaT Center for Human Genetics Tuebingen
Classification: Likely benign. Last evaluated: 2022-08-01. Review status: criteria provided, single submitter. Criteria: CeGaT Center For Human Genetics Tuebingen Variant Classification Criteria Version 2. Collection method: clinical testing. Allele origin: germline. Affected: yes. Observed: 1 variant allele.
Comment: MYH4: PM2:Supporting, BP4, BP7